The following is an entry in ClinVar:

NM_003690.5(PRKRA):c.77T>A (p.Met26Lys)

Gene: PRKRA (protein activator of interferon induced protein kinase EIF2AK2; minus strand). Cytogenetic location: 2q31.2.
Variant type: single nucleotide variant.
Coding change: c.77T>A on transcript NM_003690.5 (MANE Select); coding-DNA position 77, T replaced by A.
Protein change: p.Met26Lys; replaces methionine 26 with lysine.
Molecular consequence: missense variant. On other transcripts: 5 prime UTR variant (1).
Genome position (GRCh38, 1-based): chr2:178,450,400, A>T on the plus strand (T>A on the coding strand, the complement: PRKRA is on the minus strand). VCF-style: chr2-178450400-A-T. GRCh37 (hg19) VCF-style: chr2-179315127-A-T.
Other names: c.2T>A, p.Met1Lys (NM_001139518.2); c.-373T>A (NM_001316362.2); c.44T>A, p.Met15Lys (NM_001139517.2); short protein forms M26K, M1K, M15K.
Identifiers: ClinVar variation 1356644 (VCV001356644.3), dbSNP rs755656753, ClinGen allele CA1984036.

ClinVar aggregate classification (germline): Uncertain significance (1 of 4 stars; one submission).

Conditions:
Dystonia 16 (DYT16). Also called: DYT-PRKRA. Identifiers: Orphanet 210571, MedGen C2677567, MONDO:0012789, OMIM 612067.

Allele frequency attached by ClinVar (database versions not stated): gnomAD exomes 0.00001; TOPMed 0.00001; ExAC 0.00001; gnomAD 0.00001.
gnomAD v4.1: 20 of 1,614,150 alleles (0.0012%); highest among the groups gnomAD compares: African/African-American, 0.0027%; no homozygotes.

Submission:

Labcorp Genetics (formerly Invitae), Labcorp
Classification: Uncertain significance for Dystonia 16. Last evaluated: 2021-10-26. Review status: criteria provided, single submitter. Criteria: Invitae Variant Classification Sherloc (09022015). Collection method: clinical testing. Allele origin: germline.
Comment: This sequence change replaces methionine with lysine at codon 26 of the PRKRA protein (p.Met26Lys). The methionine residue is moderately conserved and there is a moderate physicochemical difference between methionine and lysine. This variant is present in population databases (rs755656753, ExAC 0.001%). This variant has not been reported in the literature in individuals affected with PRKRA-related conditions. Algorithms developed to predict the effect of missense changes on protein structure and function are either unavailable or do not agree on the potential impact of this missense change (SIFT: "Deleterious"; PolyPhen-2: "Benign"; Align-GVGD: "Class C55"). In summary, the available evidence is currently insufficient to determine the role of this variant in disease. Therefore, it has been classified as a Variant of Uncertain Significance.